The following is an entry in ClinVar:

ClinVar aggregate classification (germline): Uncertain significance (1 of 4 stars; one submission).

Conditions:
Pitt-Hopkins-like syndrome 2 (PTHSL2). Identifiers: Orphanet 221150, Orphanet 600663, MedGen C3280479, MONDO:0013690, OMIM 614325.

Allele frequency attached by ClinVar (database versions not stated): TOPMed 0.00001; gnomAD 0.00002.
gnomAD v4.1: 5 of 1,611,994 alleles (0.00031%); highest among the groups gnomAD compares: African/African-American, 0.0067%; no homozygotes.

Submission:

Labcorp Genetics (formerly Invitae), Labcorp
Classification: Uncertain significance for Pitt-Hopkins-like syndrome 2. Last evaluated: 2025-09-14. Review status: criteria provided, single submitter. Criteria: Invitae Variant Classification Sherloc (09022015). Collection method: clinical testing. Allele origin: germline.
Comment: This sequence change affects codon 822 of the NRXN1 mRNA. It is a 'silent' change, meaning that it does not change the encoded amino acid sequence of the NRXN1 protein. It affects a nucleotide within the consensus splice site. This variant is present in population databases (rs764741914, gnomAD 0.02%). This variant has not been reported in the literature in individuals affected with NRXN1-related conditions. ClinVar contains an entry for this variant (Variation ID: 579581). Algorithms developed to predict the effect of sequence changes on RNA splicing suggest that this variant is not likely to affect RNA splicing. In summary, the available evidence is currently insufficient to determine the role of this variant in disease. Therefore, it has been classified as a Variant of Uncertain Significance.

NM_001330078.2(NRXN1):c.2346A>C (p.Leu782=)

Gene: NRXN1 (neurexin 1; minus strand). Cytogenetic location: 2p16.3.
Variant type: single nucleotide variant.
Coding change: c.2346A>C on transcript NM_001330078.2 (MANE Select); coding-DNA position 2346, A replaced by C.
Protein change: p.Leu782=; no amino-acid change (leucine 782 retained).
Molecular consequence: synonymous variant.
Genome position (GRCh38, 1-based): chr2:50,531,228, T>G on the plus strand (A>C on the coding strand, the complement: NRXN1 is on the minus strand). VCF-style: chr2-50531228-T-G. GRCh37 (hg19) VCF-style: chr2-50758366-T-G.
Other names: c.2466A>C, p.Leu822= (NM_001135659.3); c.2322A>C, p.Leu774= (NM_001330077.2, NM_001330082.2, NM_001330095.2); c.2307A>C, p.Leu769= (NM_001330083.2, NM_001330084.2); c.2346A>C, p.Leu782= (NM_001330085.2, NM_001330086.2, NM_004801.6); c.2262A>C, p.Leu754= (NM_001330087.2, NM_001330096.2); c.2292A>C, p.Leu764= (NM_001330088.2); c.2343A>C, p.Leu781= (NM_001330093.2); c.2334A>C, p.Leu778= (NM_001330094.2).
Identifiers: ClinVar variation 579581 (VCV000579581.3), dbSNP rs764741914, ClinGen allele CA1654866.
Genomic context (GRCh38, chr2:50,531,228, plus strand): 5'-AGGCAAATTGAACAAAAAGTAAAAAAGTGTTAGTTCAATGGGGGAAGGCAGGTTGTTACC[T>G]AGATTGACCGTCAGTTTCACACGTCCTGCGTCTAGCTCCAGGCGGAGGGTGTCAGCAGAG-3'
Protein context (NP_001317007.1, residues 772-792): DAGRVKLTVN[Leu782=]DCIRINCNSS